The following is an entry in ClinVar:

ClinVar aggregate classification (germline): Uncertain significance (1 of 4 stars; one submission).

Submission:

GeneDx
Classification: Uncertain significance. Last evaluated: 2014-08-05. Review status: criteria provided, single submitter. Criteria: GeneDx Variant Classification (06012015). Collection method: clinical testing. Allele origin: germline. Affected: yes.
Comment: The P25T variant has not been published as a mutation, nor has it been reported as a benign polymorphism to our knowledge. The P25T variant was not observed in approximately 2700 individuals of European and African American ancestry in the NHLBI Exome Sequencing Project, indicating it is not a common benign variant in these populations. The P25T variant is a non-conservative amino acid substitution, which is likely to impact secondary protein structure as these residues differ in polarity, charge, size and/or other properties. This substitution occurs at a position that is moderately conserved across species. In silico analysis predicts this variant likely does not alter the protein structure/function. Therefore, based on the currently available information, it is unclear whether this variant is a pathogenic mutation or a rare benign variant. The variant is found in NOONAN panel(s).

NM_004333.6(BRAF):c.73C>A (p.Pro25Thr)

Gene: BRAF (B-Raf proto-oncogene, serine/threonine kinase; minus strand). Cytogenetic location: 7q34.
Variant type: single nucleotide variant.
Coding change: c.73C>A on transcript NM_004333.6 (MANE Select); coding-DNA position 73, C replaced by A.
Protein change: p.Pro25Thr; replaces proline 25 with threonine.
Molecular consequence: missense variant.
Genome position (GRCh38, 1-based): chr7:140,924,631, G>T on the plus strand (C>A on the coding strand, the complement: BRAF is on the minus strand). VCF-style: chr7-140924631-G-T. GRCh37 (hg19) VCF-style: chr7-140624431-G-T.
Other names: p.P25T:CCC>ACC; c.73C>A, p.Pro25Thr (NM_001354609.2, NM_001374244.1, NM_001374258.1 and 7 more transcripts); short protein forms P25T.
Identifiers: ClinVar variation 180791 (VCV000180791.2), dbSNP rs730880412, ClinGen allele CA295919.